The following is an entry in ClinVar:

NM_017654.4(SAMD9):c.545A>T (p.Gln182Leu)

Gene: SAMD9 (sterile alpha motif domain containing 9; minus strand). Cytogenetic location: 7q21.2.
Variant type: single nucleotide variant.
Coding change: c.545A>T on transcript NM_017654.4 (MANE Select); coding-DNA position 545, A replaced by T.
Protein change: p.Gln182Leu; replaces glutamine 182 with leucine.
Molecular consequence: missense variant.
Genome position (GRCh38, 1-based): chr7:93,105,553, T>A on the plus strand (A>T on the coding strand, the complement: SAMD9 is on the minus strand). VCF-style: chr7-93105553-T-A. GRCh37 (hg19) VCF-style: chr7-92734866-T-A.
Other names: c.545A>T, p.Gln182Leu (NM_001193307.2); short protein forms Q182L.
Identifiers: ClinVar variation 4159071 (VCV004159071.1).

ClinVar aggregate classification (germline): Uncertain significance (1 of 4 stars; one submission).

Conditions:
Inborn genetic diseases. Identifiers: MedGen C0950123, MeSH D030342.

gnomAD v4.1: 11 of 1,614,142 alleles (0.00068%); highest among the groups gnomAD compares: Non-Finnish European, 0.00093%; no homozygotes.

Submission:

Ambry Genetics
Classification: Uncertain significance for Inborn genetic diseases. Last evaluated: 2025-07-10. Review status: criteria provided, single submitter. Criteria: Ambry Variant Classification Scheme 2023. Collection method: clinical testing. Allele origin: germline.
Comment: The p.Q182L variant (also known as c.545A>T), located in coding exon 1 of the SAMD9 gene, results from an A to T substitution at nucleotide position 545. The glutamine at codon 182 is replaced by leucine, an amino acid with dissimilar properties. This amino acid position is conserved. In addition, this alteration is predicted to be tolerated by in silico analysis. Based on the available evidence, the clinical significance of this variant remains unclear.